The following is an entry in ClinVar:

NM_145178.4(ATOH7):c.172A>G (p.Thr58Ala)

Gene: ATOH7 (atonal bHLH transcription factor 7; minus strand). Cytogenetic location: 10q21.3.
Variant type: single nucleotide variant.
Coding change: c.172A>G on transcript NM_145178.4 (MANE Select); coding-DNA position 172, A replaced by G.
Protein change: p.Thr58Ala; replaces threonine 58 with alanine.
Molecular consequence: missense variant.
Genome position (GRCh38, 1-based): chr10:68,231,506, T>C on the plus strand (A>G on the coding strand, the complement: ATOH7 is on the minus strand). VCF-style: chr10-68231506-T-C. GRCh37 (hg19) VCF-style: chr10-69991263-T-C.
Other names: c.172A>G (NM_145178.2); short protein forms T58A.
Identifiers: ClinVar variation 1478666 (VCV001478666.7), dbSNP rs149474874, ClinGen allele CA208209807.

ClinVar aggregate classification (germline): Uncertain significance. Review status: criteria provided, multiple submitters, no conflicts (2 of 4 stars). 3 submissions from 3 submitters: Uncertain significance (3). Last evaluated 2025-09-01.

Allele frequency attached by ClinVar (database versions not stated): gnomAD exomes 0.00001 and 0.00005; TOPMed 0.00003; gnomAD 0.00004; ESP Exome Variant Server 0.00008.
gnomAD v4.1: 70 of 1,451,370 alleles (0.0048%); highest among the groups gnomAD compares: Non-Finnish European, 0.0062%; no homozygotes.

Submissions (3):

Ambry Genetics
Classification: Uncertain significance. Last evaluated: 2025-09-01. Review status: criteria provided, single submitter. Criteria: Ambry Variant Classification Scheme 2023. Collection method: clinical testing. Allele origin: germline.

Labcorp Genetics (formerly Invitae), Labcorp
Classification: Uncertain significance. Last evaluated: 2022-06-20. Review status: criteria provided, single submitter. Criteria: Invitae Variant Classification Sherloc (09022015). Collection method: clinical testing. Allele origin: germline.
Comment: This sequence change replaces threonine, which is neutral and polar, with alanine, which is neutral and non-polar, at codon 58 of the ATOH7 protein (p.Thr58Ala). This variant is present in population databases (rs149474874, gnomAD 0.003%). This variant has not been reported in the literature in individuals affected with ATOH7-related conditions. Algorithms developed to predict the effect of missense changes on protein structure and function (SIFT, PolyPhen-2, Align-GVGD) all suggest that this variant is likely to be disruptive. In summary, the available evidence is currently insufficient to determine the role of this variant in disease. Therefore, it has been classified as a Variant of Uncertain Significance.

Blueprint Genetics
Classification: Uncertain significance. Last evaluated: 2021-12-07. Review status: criteria provided, single submitter. Criteria: ACMG Guidelines, 2015. Collection method: clinical testing. Allele origin: germline.